The following is an entry in ClinVar:

ClinVar aggregate classification (germline): Pathogenic (1 of 4 stars; one submission).

Conditions:
Neurofibromatosis, type 1 (NF1). Also called: NEUROFIBROMATOSIS, TYPE I, SOMATIC; Peripheral type neurofibromatosis; Neurofibromatosis, type I; VON RECKLINGHAUSEN DISEASE. Identifiers: Orphanet 636, MedGen C0027831, MONDO:0018975, OMIM 162200. Disease mechanism: loss of function.

Submission:

Labcorp Genetics (formerly Invitae), Labcorp
Classification: Pathogenic for Neurofibromatosis, type 1. Last evaluated: 2025-10-13. Review status: criteria provided, single submitter. Criteria: Invitae Variant Classification Sherloc (09022015). Collection method: clinical testing. Allele origin: germline.
Comment: This sequence change creates a premature translational stop signal (p.Asn1115Lysfs*21) in the NF1 gene. It is expected to result in an absent or disrupted protein product. Loss-of-function variants in NF1 are known to be pathogenic (PMID: 10712197, 23913538). This variant is not present in population databases (gnomAD no frequency). This variant has not been reported in the literature in individuals affected with NF1-related conditions. ClinVar contains an entry for this variant (Variation ID: 3725935). For these reasons, this variant has been classified as Pathogenic.

Literature cited by the submitters: PubMed 10712197; PubMed 23913538.

NM_001042492.3(NF1):c.3345_3363del (p.Asn1115fs)

Gene: NF1 (neurofibromin 1; plus strand). Cytogenetic location: 17q11.2.
Variant type: Deletion.
Coding change: c.3345_3363del on transcript NM_001042492.3 (MANE Select); coding-DNA positions 3345 to 3363, 19 bases deleted (TGACTGCAGTGAAGTTGAA).
Protein change: p.Asn1115fs; shifts the reading frame from asparagine 1115.
Molecular consequence: frameshift variant.
Genome position (GRCh38, 1-based): chr17:31,232,730-31,232,748, TGACTGCAGTGAAGTTGAA deleted; deleting any 19 consecutive bases within chr17:31,232,725-31,232,748 gives the same sequence; the c. name uses the placement nearest the transcript's 3' end. VCF-style (leftmost placement, unchanged base first): chr17-31232724-TTTGAATGACTGCAGTGAAG-T. GRCh37 (hg19) VCF-style: chr17-29559742-TTTGAATGACTGCAGTGAAG-T.
Other names: c.3345_3363del19, p.Asn1115Lysfs (NM_000267.4); short protein forms N1115fs.
Identifiers: ClinVar variation 3725935 (VCV003725935.2).